The following is an entry in ClinVar:

NM_000321.3(RB1):c.644C>G (p.Ser215Ter)

Gene: RB1 (RB transcriptional corepressor 1; plus strand). Cytogenetic location: 13q14.2.
Variant type: single nucleotide variant.
Coding change: c.644C>G on transcript NM_000321.3 (MANE Select); coding-DNA position 644, C replaced by G.
Protein change: p.Ser215Ter; replaces serine 215 with a stop codon.
Molecular consequence: nonsense.
Genome position (GRCh38, 1-based): chr13:48,360,053, C>G. VCF-style: chr13-48360053-C-G. GRCh37 (hg19) VCF-style: chr13-48934189-C-G.
Other names: c.644C>G, p.Ser215Ter (NM_001407165.1, NM_001407166.1); short protein forms S215*.
Identifiers: ClinVar variation 2137493 (VCV002137493.4), dbSNP rs768305224, ClinGen allele CA388158245.
Genomic context (GRCh38, chr13:48,360,053, plus strand): 5'-TAAAAATGTACATTTTTTTTTCAGGGGAAGTATTACAAATGGAAGATGATCTGGTGATTT[C>G]ATTTCAGTTAATGCTATGTGTCCTTGACTATTTTATTAAACTCTCACCTCCCATGTTGCT-3'

ClinVar aggregate classification (germline): Pathogenic (1 of 4 stars; one submission).

Conditions:
Retinoblastoma (RB1). Also called: RETINOBLASTOMA, SOMATIC. Identifiers: Orphanet 790, MedGen C0035335, MeSH D012175, MONDO:0008380, OMIM 180200, HP:0009919. Disease mechanism: loss of function. Inheritance: Both sporadic and heritable forms are tested..

Submission:

Labcorp Genetics (formerly Invitae), Labcorp
Classification: Pathogenic for Retinoblastoma. Last evaluated: 2022-09-21. Review status: criteria provided, single submitter. Criteria: Invitae Variant Classification Sherloc (09022015). Collection method: clinical testing. Allele origin: germline.
Comment: For these reasons, this variant has been classified as Pathogenic. This premature translational stop signal has been observed in individual(s) with RB1-related conditions (PMID: 12541220). This variant is not present in population databases (gnomAD no frequency). This sequence change creates a premature translational stop signal (p.Ser215*) in the RB1 gene. It is expected to result in an absent or disrupted protein product. Loss-of-function variants in RB1 are known to be pathogenic (PMID: 17096365).

Literature cited by the submitters: PubMed 12541220; PubMed 17096365.